The following is an entry in ClinVar:

NM_006766.5(KAT6A):c.5955C>G (p.Ser1985Arg)

Gene: KAT6A (lysine acetyltransferase 6A; minus strand). Cytogenetic location: 8p11.21.
Variant type: single nucleotide variant.
Coding change: c.5955C>G on transcript NM_006766.5 (MANE Select); coding-DNA position 5955, C replaced by G.
Protein change: p.Ser1985Arg; replaces serine 1985 with arginine.
Molecular consequence: missense variant.
Genome position (GRCh38, 1-based): chr8:41,932,265, G>C on the plus strand (C>G on the coding strand, the complement: KAT6A is on the minus strand). VCF-style: chr8-41932265-G-C. GRCh37 (hg19) VCF-style: chr8-41789783-G-C.
Other names: short protein forms S1985R.
Identifiers: ClinVar variation 2876320 (VCV002876320.3), dbSNP rs2486750000, ClinGen allele CA371059943.

ClinVar aggregate classification (germline): Uncertain significance (1 of 4 stars; one submission).

Submission:

Labcorp Genetics (formerly Invitae), Labcorp
Classification: Uncertain significance. Last evaluated: 2023-10-16. Review status: criteria provided, single submitter. Criteria: Invitae Variant Classification Sherloc (09022015). Collection method: clinical testing. Allele origin: germline.
Comment: This sequence change replaces serine, which is neutral and polar, with arginine, which is basic and polar, at codon 1985 of the KAT6A protein (p.Ser1985Arg). This variant is not present in population databases (gnomAD no frequency). This variant has not been reported in the literature in individuals affected with KAT6A-related conditions. Experimental studies and prediction algorithms are not available or were not evaluated, and the functional significance of this variant is currently unknown. In summary, the available evidence is currently insufficient to determine the role of this variant in disease. Therefore, it has been classified as a Variant of Uncertain Significance.